The following is an entry in ClinVar:

ClinVar aggregate classification (germline): Likely pathogenic (1 of 4 stars; one submission).

Conditions:
SOX10-related disorder. Also called: SOX10-related condition.

Submission:

PreventionGenetics, part of Exact Sciences
Classification: Likely pathogenic for SOX10-related condition. Last evaluated: 2023-02-20. Review status: criteria provided, single submitter. Criteria: ACMG Guidelines, 2015. Collection method: clinical testing. Allele origin: germline.
Comment: The SOX10 c.231_234dupCCAG variant is predicted to result in a frameshift and premature protein termination (p.Val79Profs*56). To our knowledge, this variant has not been reported in the literature or in a large population database, indicating this variant is rare. Frameshift variants in SOX10 are expected to be pathogenic. This variant is interpreted as likely pathogenic.

NM_006941.4(SOX10):c.231_234dup (p.Val79fs)

Genes: POLR2F (RNA polymerase II, I and III subunit F; plus strand), SOX10 (SRY-box transcription factor 10; minus strand). Cytogenetic location: 22q13.1.
Variant type: Duplication.
Coding change: c.231_234dup on transcript NM_006941.4 (MANE Select); coding-DNA positions 231 to 234, 4 bases duplicated (CCAG; older notation c.231_234dupCCAG).
Protein change: p.Val79fs; shifts the reading frame from valine 79.
Molecular consequence: frameshift variant. On other transcripts: intron variant (3).
Genome position (GRCh38, 1-based): chr22:37,983,551-37,983,554, CTGG duplicated on the plus strand (CCAG on the coding strand, the reverse complement: SOX10 is on the minus strand); duplicating any 4 consecutive bases within chr22:37,983,551-37,983,557 gives the same sequence; the c. name uses the placement nearest the transcript's 3' end. VCF-style (leftmost placement, unchanged base first): chr22-37983550-C-CCTGG. GRCh37 (hg19) VCF-style: chr22-38379557-C-CCTGG.
Other names: c.231_234dupCCAG (NM_006941.3); c.*38+11244_*38+11247dup (NM_001363825.1); c.294-2600_294-2597dup (NM_001301130.2); c.293+16384_293+16387dup (NM_001301131.2); short protein forms V79fs.
Identifiers: ClinVar variation 2630501 (VCV002630501.1), dbSNP rs2518052569, ClinGen allele CA2695200115.